The following is an entry in ClinVar:

NM_006642.5(SDCCAG8):c.1836A>G (p.Gln612=)

Gene: SDCCAG8 (SHH signaling and ciliogenesis regulator SDCCAG8; plus strand). Cytogenetic location: 1q43.
Variant type: single nucleotide variant.
Coding change: c.1836A>G on transcript NM_006642.5 (MANE Select); coding-DNA position 1836, A replaced by G.
Protein change: p.Gln612=; no amino-acid change (glutamine 612 retained).
Molecular consequence: synonymous variant.
Genome position (GRCh38, 1-based): chr1:243,418,059, A>G. VCF-style: chr1-243418059-A-G. GRCh37 (hg19) VCF-style: chr1-243581361-A-G.
Other names: c.933A>G, p.Gln311= (NM_001350246.2, NM_001350247.2, NM_001350251.2); c.1932A>G, p.Gln644= (NM_001350248.2); c.1542A>G, p.Gln514= (NM_001350249.2).
Identifiers: ClinVar variation 3045671 (VCV003045671.2), dbSNP rs1443214783, ClinGen allele CA424345046.
Genomic context (GRCh38, chr1:243,418,059, plus strand): 5'-GAATACATTTTTGACAAAGTTAAAGGAAGAATGCTGTACATTAGCCAAGAAACTGGAACA[A>G]ATCTCTCAAAAAACCAGGTAGGTGATGTTATAGAATACTTTCAAGAGCACTGTTTGTGTG-3'
Protein context (NP_006633.1, residues 602-622): ECCTLAKKLE[Gln612=]ISQKTRSEIA

ClinVar aggregate classification (germline): Likely benign (0 of 4 stars; one submission).

Conditions:
SDCCAG8-related disorder. Also called: SDCCAG8-Related Disorders; SDCCAG8-related condition.

Allele frequency attached by ClinVar (database versions not stated): gnomAD exomes below 0.00001; TOPMed below 0.00001.
gnomAD v4.1: 1 of 1,611,268 alleles (0.000062%); highest among the groups gnomAD compares: African/African-American, 0.0013%; no homozygotes.

Submission:

PreventionGenetics, part of Exact Sciences
Classification: Likely benign for SDCCAG8-related condition. Last evaluated: 2022-05-05. Review status: no assertion criteria provided. Collection method: clinical testing. Allele origin: germline.
Comment: This variant is classified as likely benign based on ACMG/AMP sequence variant interpretation guidelines (Richards et al. 2015 PMID: 25741868, with internal and published modifications).